The following is an entry in ClinVar:

ClinVar aggregate classification (germline): Uncertain significance (1 of 4 stars; one submission).

Conditions:
Dilated cardiomyopathy 1G (CMD1G). Identifiers: Orphanet 154, MedGen C1858763, MONDO:0011400, OMIM 604145.
Autosomal recessive limb-girdle muscular dystrophy type 2J (LGMDR10). Also called: Limb-girdle muscular dystrophy, type 2J; MUSCULAR DYSTROPHY, LIMB-GIRDLE, AUTOSOMAL RECESSIVE 10. Identifiers: Orphanet 140922, MedGen C1837342, MONDO:0012127, OMIM 608807.

Submission:

Labcorp Genetics (formerly Invitae), Labcorp
Classification: Uncertain significance for Dilated cardiomyopathy 1G; Autosomal recessive limb-girdle muscular dystrophy type 2J. Last evaluated: 2023-12-01. Review status: criteria provided, single submitter. Criteria: Invitae Variant Classification Sherloc (09022015). Collection method: clinical testing. Allele origin: germline.
Comment: This sequence change replaces serine, which is neutral and polar, with phenylalanine, which is neutral and non-polar, at codon 35137 of the TTN protein (p.Ser35137Phe). This variant is not present in population databases (gnomAD no frequency). This variant has not been reported in the literature in individuals affected with TTN-related conditions. Experimental studies and prediction algorithms are not available or were not evaluated, and the functional significance of this variant is currently unknown. This variant is located in the M band of TTN (PMID: 25589632). Non-truncating variants in this region may be relevant for neuromuscular disorders, but have not been definitively shown to cause cardiomyopathy (PMID: 23975875). In summary, the available evidence is currently insufficient to determine the role of this variant in disease. Therefore, it has been classified as a Variant of Uncertain Significance.

Literature cited by the submitters: PubMed 25589632; PubMed 23975875.

NM_001267550.2(TTN):c.105410C>T (p.Ser35137Phe)

Genes: TTN-AS1 (TTN antisense RNA 1; plus strand), TTN (titin; minus strand). Cytogenetic location: 2q31.2.
Variant type: single nucleotide variant.
Coding change: c.105410C>T on transcript NM_001267550.2 (MANE Select); coding-DNA position 105410, C replaced by T.
Protein change: p.Ser35137Phe; replaces serine 35137 with phenylalanine.
Molecular consequence: missense variant.
Genome position (GRCh38, 1-based): chr2:178,531,205, G>A on the plus strand (C>T on the coding strand, the complement: TTN is on the minus strand). VCF-style: chr2-178531205-G-A. GRCh37 (hg19) VCF-style: chr2-179395932-G-A.
Other names: c.100487C>T, p.Ser33496Phe (NM_001256850.1); c.78215C>T, p.Ser26072Phe (NM_003319.4); c.97706C>T, p.Ser32569Phe (NM_133378.4); c.78590C>T, p.Ser26197Phe (NM_133432.3); c.78791C>T, p.Ser26264Phe (NM_133437.4); short protein forms S26072F, S26197F, S26264F, S33496F, S32569F, S35137F.
Identifiers: ClinVar variation 2941181 (VCV002941181.3), dbSNP rs1427963030, ClinGen allele CA349408822.
Genomic context (GRCh38, chr2:178,531,205, plus strand): 5'-ACCGGCTCACCATCGGTGTCACAAGAAAACCTTGCAGACTCGCCCTCGTAGACGGTCATG[G>A]ACCGTGGCTTTGTTAGAATTCTTGCTGCCAAAGTCGTCTTGATCTTTCTGGTTGTGGATT-3'
Protein context (NP_001254479.2, residues 35127-35147): LAARILTKPR[Ser35137Phe]MTVYEGESAR